The following is an entry in ClinVar:

ClinVar aggregate classification (germline): Uncertain significance (1 of 4 stars; one submission).

gnomAD v4.1: 4 of 1,613,876 alleles (0.00025%); highest among the groups gnomAD compares: African/African-American, 0.004%; no homozygotes.

Submission:

Labcorp Genetics (formerly Invitae), Labcorp
Classification: Uncertain significance. Last evaluated: 2023-07-24. Review status: criteria provided, single submitter. Criteria: Invitae Variant Classification Sherloc (09022015). Collection method: clinical testing. Allele origin: germline.
Comment: This sequence change replaces valine, which is neutral and non-polar, with leucine, which is neutral and non-polar, at codon 1659 of the COL4A1 protein (p.Val1659Leu). This variant is present in population databases (rs752575604, gnomAD 0.007%). This variant has not been reported in the literature in individuals affected with COL4A1-related conditions. Experimental studies and prediction algorithms are not available or were not evaluated, and the functional significance of this variant is currently unknown. In summary, the available evidence is currently insufficient to determine the role of this variant in disease. Therefore, it has been classified as a Variant of Uncertain Significance.

NM_001845.6(COL4A1):c.4975G>C (p.Val1659Leu)

Gene: COL4A1 (collagen type IV alpha 1 chain; minus strand). Cytogenetic location: 13q34.
Variant type: single nucleotide variant.
Coding change: c.4975G>C on transcript NM_001845.6 (MANE Select); coding-DNA position 4975, G replaced by C.
Protein change: p.Val1659Leu; replaces valine 1659 with leucine.
Molecular consequence: missense variant.
Genome position (GRCh38, 1-based): chr13:110,150,398, C>G on the plus strand (G>C on the coding strand, the complement: COL4A1 is on the minus strand). VCF-style: chr13-110150398-C-G. GRCh37 (hg19) VCF-style: chr13-110802745-C-G.
Other names: short protein forms V1659L.
Identifiers: ClinVar variation 2968969 (VCV002968969.3), dbSNP rs752575604, ClinGen allele CA7046736.
Genomic context (GRCh38, chr13:110,150,398, plus strand): 5'-GTGACATTAGCTGAGTCAGGCTTCATTATGTTCTTCTCATACAGACTTGGCAGCGGCTGA[C>G]GTGCGTGCGCAGCTCCCCTGCCTTCAAGGTGGACGGCGTAGGCTTCCTAAAACACGACAC-3'
Protein context (NP_001836.3, residues 1649-1669): TLKAGELRTH[Val1659Leu]SRCQVCMRRT